The following is an entry in ClinVar:

ClinVar aggregate classification (germline): Uncertain significance (1 of 4 stars; one submission).

Submission:

ISCA Site 6
Classification: Uncertain significance. Last evaluated: 2011-08-12. Review status: criteria provided, single submitter. Criteria: Kaminsky et al. (Genet Med. 2011). Collection method: clinical testing. Allele origin: maternal. Affected: yes. Observed: 1 variant allele.
Comment: Copy number variation identified through the course of routine clinical cytogenomic testing in postnatal populations. Clinical assertions have been curated as described in Kaminsky et al. 2011.

GRCh38/hg38 Xp22.31(chrX:8627004-8736337)x2

Gene: ANOS1 (anosmin 1; minus strand). Cytogenetic location: Xp22.31.
Variant type: copy number gain.
Change: copy number 2 of chrX:8,627,004-8,736,337 (109.3 kb, GRCh38 coordinates, 1-based), cytogenetic band Xp22.31.
Identifiers: ClinVar variation 58565 (VCV000058565.3).